The following is an entry in ClinVar:

NM_000243.3(MEFV):c.967G>C (p.Val323Leu)

Gene: MEFV (MEFV innate immunity regulator, pyrin; minus strand). Cytogenetic location: 16p13.3.
Variant type: single nucleotide variant.
Coding change: c.967G>C on transcript NM_000243.3 (MANE Select); coding-DNA position 967, G replaced by C.
Protein change: p.Val323Leu; replaces valine 323 with leucine.
Molecular consequence: missense variant.
Genome position (GRCh38, 1-based): chr16:3,249,724, C>G on the plus strand (G>C on the coding strand, the complement: MEFV is on the minus strand). VCF-style: chr16-3249724-C-G. GRCh37 (hg19) VCF-style: chr16-3299724-C-G.
Other names: c.334G>C, p.Val112Leu (NM_001198536.2); short protein forms V323L, V112L.
Identifiers: ClinVar variation 2105658 (VCV002105658.4), dbSNP rs2543149454, ClinGen allele CA394471646.
Genomic context (GRCh38, chr16:3,249,724, plus strand): 5'-GGGGGTGCCCAGAAACTGCCTCGGGGAAGCTGCAGGAATCACGCACACAGGTACCGTCAA[C>G]TGGGTCTCCTTCCTGGGCGTGGCAGCGGGGACTCGCAGCCGTGTCTGGTGGCCTTCCTGG-3'
Protein context (NP_000234.1, residues 313-333): PRCHAQEGDP[Val323Leu]DGTCVRDSCS

ClinVar aggregate classification (germline): Uncertain significance (1 of 4 stars; one submission).

Conditions:
Familial Mediterranean fever (FMF). Also called: POLYSEROSITIS, FAMILIAL PAROXYSMAL; POLYSEROSITIS, RECURRENT; Periodic peritonitis; Benign paroxysmal peritonitis. Identifiers: Orphanet 342, MedGen C0031069, MONDO:0018088, OMIM 249100. Disease mechanism: gain of function.

Submission:

Labcorp Genetics (formerly Invitae), Labcorp
Classification: Uncertain significance for Familial Mediterranean fever. Last evaluated: 2022-03-02. Review status: criteria provided, single submitter. Criteria: Invitae Variant Classification Sherloc (09022015). Collection method: clinical testing. Allele origin: germline.
Comment: This sequence change replaces valine, which is neutral and non-polar, with leucine, which is neutral and non-polar, at codon 323 of the MEFV protein (p.Val323Leu). In summary, the available evidence is currently insufficient to determine the role of this variant in disease. Therefore, it has been classified as a Variant of Uncertain Significance. Algorithms developed to predict the effect of missense changes on protein structure and function output the following: SIFT: "Tolerated"; PolyPhen-2: "Benign"; Align-GVGD: "Class C0". The leucine amino acid residue is found in multiple mammalian species, which suggests that this missense change does not adversely affect protein function. This variant has not been reported in the literature in individuals affected with MEFV-related conditions. This variant is not present in population databases (gnomAD no frequency).